The following is an entry in ClinVar:

NM_000130.5(F5):c.606G>T (p.Gly202=)

Gene: F5 (coagulation factor V; minus strand). Cytogenetic location: 1q24.2.
Variant type: single nucleotide variant.
Coding change: c.606G>T on transcript NM_000130.5 (MANE Select); coding-DNA position 606, G replaced by T.
Protein change: p.Gly202=; no amino-acid change (glycine 202 retained).
Molecular consequence: synonymous variant.
Genome position (GRCh38, 1-based): chr1:169,559,277, C>A on the plus strand (G>T on the coding strand, the complement: F5 is on the minus strand). VCF-style: chr1-169559277-C-A. GRCh37 (hg19) VCF-style: chr1-169528515-C-A.
Identifiers: ClinVar variation 4740147 (VCV004740147.2).

ClinVar aggregate classification (germline): Likely benign. Review status: criteria provided, multiple submitters, no conflicts (2 of 4 stars). 2 submissions from 2 submitters: Likely benign (2). Last evaluated 2025-11-16.

Conditions:
F5-related disorder. Also called: F5-related condition.
Congenital factor V deficiency. Also called: LABILE FACTOR DEFICIENCY; OWREN PARAHEMOPHILIA; PARAHEMOPHILIA; Hereditary factor V deficiency disease. Identifiers: Orphanet 326, MedGen C0015499, MONDO:0009210, OMIM 227400.

gnomAD v4.1: 7 of 1,613,594 alleles (0.00043%); highest among the groups gnomAD compares: Admixed American, 0.012%; no homozygotes.

Submissions (2):

Labcorp Genetics (formerly Invitae), Labcorp
Classification: Likely benign for Congenital factor V deficiency. Last evaluated: 2025-11-16. Review status: criteria provided, single submitter. Criteria: Invitae Variant Classification Sherloc (09022015). Collection method: clinical testing. Allele origin: germline.

PreventionGenetics, part of Exact Sciences
Classification: Likely benign for F5-related condition. Last evaluated: 2025-11-13. Review status: criteria provided, single submitter. Criteria: ACMG Guidelines, 2015. Collection method: clinical testing. Allele origin: germline.
Comment: This variant is classified as likely benign based on ACMG/AMP sequence variant interpretation guidelines (Richards et al. 2015 PMID: 25741868, with internal and published modifications).